The following is an entry in ClinVar:

ClinVar aggregate classification (germline): Pathogenic (1 of 4 stars; one submission).

Conditions:
Mucopolysaccharidosis type 7 (MPS7). Also called: GUSB DEFICIENCY; SLY SYNDROME; MPS VII; BETA-GLUCURONIDASE DEFICIENCY. Identifiers: Orphanet 584, MedGen C0085132, MONDO:0009662, OMIM 253220.

Submission:

Labcorp Genetics (formerly Invitae), Labcorp
Classification: Pathogenic for Mucopolysaccharidosis type 7. Last evaluated: 2023-03-21. Review status: criteria provided, single submitter. Criteria: Invitae Variant Classification Sherloc (09022015). Collection method: clinical testing. Allele origin: germline.
Comment: For these reasons, this variant has been classified as Pathogenic. Algorithms developed to predict the effect of sequence changes on RNA splicing suggest that this variant may disrupt the consensus splice site. This variant has not been reported in the literature in individuals affected with GUSB-related conditions. This variant is not present in population databases (gnomAD no frequency). This sequence change creates a premature translational stop signal (p.Gln416Serfs*14) in the GUSB gene. It is expected to result in an absent or disrupted protein product. Loss-of-function variants in GUSB are known to be pathogenic (PMID: 19224584).

Literature cited by the submitters: PubMed 19224584.

NC_000007.14:g.65974442del

Gene: GUSB (glucuronidase beta; minus strand). Cytogenetic location: 7q11.21.
Variant type: Deletion.
Genome position: GRCh38 VCF-style: chr7-65974440-GC-G. GRCh37 (hg19) VCF-style: chr7-65439427-GC-G.
Identifiers: ClinVar variation 2848108 (VCV002848108.3), dbSNP rs2484800908, ClinGen allele CA2578899486.